The following is an entry in ClinVar:

NM_206933.4(USH2A):c.110del (p.Phe37fs)

Gene: USH2A (usherin; minus strand). Cytogenetic location: 1q41.
Variant type: Deletion.
Coding change: c.110del on transcript NM_206933.4 (MANE Select); coding-DNA position 110, one base deleted (T; older notation c.110delT).
Protein change: p.Phe37fs; shifts the reading frame from phenylalanine 37.
Molecular consequence: frameshift variant.
Genome position (GRCh38, 1-based): chr1:216,422,227, A deleted on the plus strand (T on the coding strand, the reverse complement: USH2A is on the minus strand); the first of 4 consecutive A bases (chr1:216,422,227-216,422,230); deleting any one gives the same sequence. VCF-style (leftmost placement, unchanged base first): chr1-216422226-GA-G. GRCh37 (hg19) VCF-style: chr1-216595568-GA-G.
Other names: c.110del, p.Phe37fs (NM_007123.6); short protein forms F37fs.
Identifiers: ClinVar variation 2079564 (VCV002079564.4), dbSNP rs2527655355, ClinGen allele CA2580062172.
Genomic context (GRCh38, chr1:216,422,226, plus strand): 5'-TACTGCTTGGGTTGGCACGATGGAAACTTTCTTGAAAGCTCCCACGTTCTCCAGCCTTGG[GA>G]AAAGACCTCGTGACTCAGTCAAGGATATTGAAGCAAAATAGGCAAAGATCAACATTTCAA-3'

ClinVar aggregate classification (germline): Pathogenic (1 of 4 stars; one submission).

Submission:

Labcorp Genetics (formerly Invitae), Labcorp
Classification: Pathogenic. Last evaluated: 2022-01-11. Review status: criteria provided, single submitter. Criteria: Invitae Variant Classification Sherloc (09022015). Collection method: clinical testing. Allele origin: germline.
Comment: This sequence change creates a premature translational stop signal (p.Phe37Serfs*108) in the USH2A gene. It is expected to result in an absent or disrupted protein product. Loss-of-function variants in USH2A are known to be pathogenic (PMID: 10729113, 10909849, 20507924, 25649381). This variant is not present in population databases (gnomAD no frequency). This variant has not been reported in the literature in individuals affected with USH2A-related conditions. For these reasons, this variant has been classified as Pathogenic.

Literature cited by the submitters: PubMed 10729113; PubMed 10909849; PubMed 20507924; PubMed 25649381.